The following is an entry in ClinVar:

ClinVar aggregate classification (germline): Uncertain significance (1 of 4 stars; one submission).

Conditions:
Fanconi anemia (FA). Also called: Fanconi's anemia. Identifiers: Orphanet 84, MedGen C0015625, MeSH D005199, MONDO:0019391.

Allele frequency attached by ClinVar (database versions not stated): gnomAD 0.00001.
gnomAD v4.1: 2 of 1,614,068 alleles (0.00012%); highest among the groups gnomAD compares: Admixed American, 0.0017%; no homozygotes.

Submission:

Labcorp Genetics (formerly Invitae), Labcorp
Classification: Uncertain significance for Fanconi anemia. Last evaluated: 2023-09-15. Review status: criteria provided, single submitter. Criteria: Invitae Variant Classification Sherloc (09022015). Collection method: clinical testing. Allele origin: germline.
Comment: This sequence change replaces leucine, which is neutral and non-polar, with valine, which is neutral and non-polar, at codon 548 of the FANCA protein (p.Leu548Val). In summary, the available evidence is currently insufficient to determine the role of this variant in disease. Therefore, it has been classified as a Variant of Uncertain Significance. Advanced modeling of protein sequence and biophysical properties (such as structural, functional, and spatial information, amino acid conservation, physicochemical variation, residue mobility, and thermodynamic stability) performed at Invitae indicates that this missense variant is not expected to disrupt FANCA protein function. This variant has not been reported in the literature in individuals affected with FANCA-related conditions. This variant is not present in population databases (gnomAD no frequency).

NM_000135.4(FANCA):c.1642C>G (p.Leu548Val)

Gene: FANCA (FA complementation group A; minus strand). Cytogenetic location: 16q24.3.
Variant type: single nucleotide variant.
Coding change: c.1642C>G on transcript NM_000135.4 (MANE Select); coding-DNA position 1642, C replaced by G.
Protein change: p.Leu548Val; replaces leucine 548 with valine.
Molecular consequence: missense variant.
Genome position (GRCh38, 1-based): chr16:89,779,942, G>C on the plus strand (C>G on the coding strand, the complement: FANCA is on the minus strand). VCF-style: chr16-89779942-G-C. GRCh37 (hg19) VCF-style: chr16-89846350-G-C.
Other names: c.1642C>G, p.Leu548Val (NM_001286167.3); short protein forms L548V.
Identifiers: ClinVar variation 3008099 (VCV003008099.3), dbSNP rs2039644259, ClinGen allele CA397456500.